The following is an entry in ClinVar:

NM_001754.5(RUNX1):c.465_467dup (p.Ala156_Arg157insAla)

Genes: RUNX1 (RUNX family transcription factor 1; minus strand), RUNX1-AS1 (RUNX1 antisense RNA 1; plus strand). Cytogenetic location: 21q22.12.
Variant type: Duplication.
Coding change: c.465_467dup on transcript NM_001754.5 (MANE Select); coding-DNA positions 465 to 467, 3 bases duplicated (TGC; older notation c.465_467dupTGC).
Protein change: p.Ala156_Arg157insAla.
Molecular consequence: inframe insertion.
Genome position (GRCh38, 1-based): chr21:34,880,598-34,880,600, GCA duplicated on the plus strand (TGC on the coding strand, the reverse complement: RUNX1 is on the minus strand). VCF-style (leftmost placement, unchanged base first): chr21-34880597-T-TGCA. GRCh37 (hg19) VCF-style: chr21-36252894-T-TGCA.
Other names: NM_001754.5(RUNX1):c.465_467dup; p.Ala156_Arg157insAla; c.384_386dup, p.Ala129_Arg130insAla (NM_001001890.3, NM_001122607.2).
Identifiers: ClinVar variation 3068261 (VCV003068261.2), dbSNP rs2517437817, ClinGen allele CA2825002848.
Genomic context (GRCh38, chr21:34,880,597, plus strand): 5'-AGTTTTGACAGATAACGTACCTCTTCCACTTCGACCGACAAACCTGAGGTCATTAAATCT[T>TGCA]GCAACCTGGTTCTTCATGGCTGCGGTAGCATTTCTCAGCTCAGCCGAGTAGTTTTCATCA-3'

ClinVar aggregate classification (germline): Uncertain significance. Review status: reviewed by expert panel (3 of 4 stars). 2 submissions from 2 submitters: Uncertain significance (1). 1 of the submissions does not count toward it. Last evaluated 2025-03-26.

Conditions:
Hereditary thrombocytopenia and hematologic cancer predisposition syndrome. Identifiers: Orphanet 71290, MedGen CN281654, MONDO:0011071.
Hereditary thrombocytopenia and hematological cancer predisposition syndrome associated with RUNX1. Also called: Familial Platelet Disorder with Propensity to Acute Myelogenous Leukemia; Familial thrombocytopenia with propensity to acute myelogenous leukemia; RUNX1 Familial Platelet Disorder with Associated Myeloid Malignancies; PLATELET DISORDER, ASPIRIN-LIKE. Identifiers: Orphanet 71290, MedGen C1832388, MeSH C563324, MONDO:0100083, OMIM 601399.

Submissions (2):

ClinGen Myeloid Malignancy Variant Curation Expert Panel
Classification: Uncertain significance for Hereditary thrombocytopenia and hematologic cancer predisposition syndrome. Last evaluated: 2025-03-26. Review status: reviewed by expert panel. Criteria: ClinGen MyeloMalig ACMG Specifications v2. Collection method: curation. Allele origin: germline. Inheritance: Autosomal dominant inheritance.
Comment: NM_001754.5(RUNX1):c.465_467dup (p.Ala156dup) is an in-frame duplication which affects a residue within the Runt Homology Domain (AA 89-204) but does not affect an established hotspot residue (PM4_supporting). This variant is completely absent from all population databases with at least 20x coverage for RUNX1 (PM2_supporting). In summary, the clinical significance of this variant is uncertain. ACMG/AMP criteria applied, as specified by the Myeloid Malignancy Variant Curation Expert Panel for RUNX1: PM2_supporting, PM4_supporting.

Genomic Medicine Center of Excellence, King Faisal Specialist Hospital and Research Centre
Classification: Uncertain significance for Hereditary thrombocytopenia and hematological cancer predisposition syndrome associated with RUNX1. Last evaluated: 2024-04-04. Review status: criteria provided, single submitter. Criteria: ACMG Guidelines, 2015. Collection method: clinical testing. Allele origin: germline. Not counted in ClinVar's aggregate classification.